The following is an entry in ClinVar:

NM_001303256.3(MORC2):c.1417G>T (p.Ala473Ser)

Gene: MORC2 (MORC family CW-type zinc finger 2; minus strand). Cytogenetic location: 22q12.2.
Variant type: single nucleotide variant.
Coding change: c.1417G>T on transcript NM_001303256.3 (MANE Select); coding-DNA position 1417, G replaced by T.
Protein change: p.Ala473Ser; replaces alanine 473 with serine.
Molecular consequence: missense variant.
Genome position (GRCh38, 1-based): chr22:30,937,664, C>A on the plus strand (G>T on the coding strand, the complement: MORC2 is on the minus strand). VCF-style: chr22-30937664-C-A. GRCh37 (hg19) VCF-style: chr22-31333651-C-A.
Other names: c.1417G>T, p.Ala473Ser (NM_001303257.2); c.1231G>T, p.Ala411Ser (NM_014941.3); short protein forms A411S, A473S.
Identifiers: ClinVar variation 4803188 (VCV004803188.1).

ClinVar aggregate classification (germline): Uncertain significance (1 of 4 stars; one submission).

Conditions:
Charcot-Marie-Tooth disease axonal type 2Z. Also called: CHARCOT-MARIE-TOOTH DISEASE, AXONAL, AUTOSOMAL DOMINANT, TYPE 2Z; CHARCOT-MARIE-TOOTH NEUROPATHY, TYPE 2Z. Identifiers: Orphanet 466768, MedGen C5569025, MONDO:0014736, OMIM 616688.

Submission:

Labcorp Genetics (formerly Invitae), Labcorp
Classification: Uncertain significance for Charcot-Marie-Tooth disease axonal type 2Z. Last evaluated: 2025-03-28. Review status: criteria provided, single submitter. Criteria: Invitae Variant Classification Sherloc (09022015). Collection method: clinical testing. Allele origin: germline.
Comment: This sequence change replaces alanine, which is neutral and non-polar, with serine, which is neutral and polar, at codon 473 of the MORC2 protein (p.Ala473Ser). This variant is not present in population databases (gnomAD no frequency). This variant has not been reported in the literature in individuals affected with MORC2-related conditions. Invitae Evidence Modeling of protein sequence and biophysical properties (such as structural, functional, and spatial information, amino acid conservation, physicochemical variation, residue mobility, and thermodynamic stability) has been performed for this missense variant. However, the output from this modeling did not meet the statistical confidence thresholds required to predict the impact of this variant on MORC2 protein function. In summary, the available evidence is currently insufficient to determine the role of this variant in disease. Therefore, it has been classified as a Variant of Uncertain Significance.